The following is an entry in ClinVar:

ClinVar aggregate classification (germline): Pathogenic (1 of 4 stars; one submission).

Conditions:
Intellectual developmental disorder, autosomal dominant 66. Also called: MENTAL RETARDATION, AUTOSOMAL DOMINANT 66. Identifiers: MedGen C5677000, MONDO:0030891, OMIM 619910.

Submission:

Women's Health and Genetics/Laboratory Corporation of America, LabCorp
Classification: Pathogenic for Intellectual developmental disorder, autosomal dominant 66. Last evaluated: 2024-12-31. Review status: criteria provided, single submitter. Criteria: LabCorp Variant Classification Summary - May 2015. Collection method: clinical testing. Allele origin: germline.
Comment: Variant summary: ATP2B1 c.2443-2A>G is located in a canonical splice-site and is predicted to affect mRNA splicing resulting in a significantly altered protein due to either exon skipping, shortening, or inclusion of intronic material. Variants that disrupt the consensus splice site are a relatively common cause of aberrant splicing and loss of ATP2B1 function. Several computational tools predict a significant impact on normal splicing: Four predict the variant abolishes a canonical 3' acceptor site. However, these predictions have yet to be confirmed by functional studies. The variant was absent in 215802 control chromosomes. To our knowledge, no experimental evidence demonstrating an impact on protein function has been reported. No submitters have cited clinical-significance assessments for this variant to ClinVar. Based on the evidence outlined above, the variant was classified as pathogenic.

NM_001366521.1(ATP2B1):c.2443-2A>G

Gene: ATP2B1 (ATPase plasma membrane Ca2+ transporting 1; minus strand). Cytogenetic location: 12q21.33.
Variant type: single nucleotide variant.
Coding change: c.2443-2A>G on transcript NM_001366521.1 (MANE Select); the canonical splice acceptor site of the intron before coding-DNA position 2443, A replaced by G.
Molecular consequence: splice acceptor variant.
Genome position (GRCh38, 1-based): chr12:89,604,348, T>C on the plus strand (A>G on the coding strand, the complement: ATP2B1 is on the minus strand). VCF-style: chr12-89604348-T-C. GRCh37 (hg19) VCF-style: chr12-89998125-T-C.
Other names: c.2245-2A>G (NM_001413053.1, NM_001366530.1); c.1882-2A>G (NM_001413060.1, NM_001366531.1, NM_001413058.1 and 2 more transcripts); c.2188-2A>G (NM_001413056.1); c.2302-2A>G (NM_001413051.1, NM_001413055.1, NM_001413052.1); c.2404-2A>G (NM_001413048.1); c.2200-2A>G (NM_001413054.1); c.2443-2A>G (NM_001413050.1, NM_001366529.1, NM_001366528.1 and 12 more transcripts); c.1990-2A>G (NM_001413057.1).
Identifiers: ClinVar variation 3768438 (VCV003768438.1).
Genomic context (GRCh38, chr12:89,604,348, plus strand): 5'-TTGTCATCTGTGAGAATAATATCGGATGCTTCTTTAGCTACATCAGTTCCAGCAATACCC[T>C]GTTAAAAAAAATTTTGTGAATTAGACTAAATGTTTTAAGTATAACTTTCAAATAGTCAAA-3'